The following is an entry in ClinVar:

NM_001017989.3(OPA3):c.184G>A (p.Gly62Ser)

Genes: OPA3 (outer mitochondrial membrane lipid metabolism regulator OPA3; minus strand), OPA3-RTN2 (OPA3-RTN2 readthrough; minus strand). Cytogenetic location: 19q13.32.
Variant type: single nucleotide variant.
Coding change: c.184G>A on transcript NM_001017989.3; coding-DNA position 184, G replaced by A.
Protein change: p.Gly62Ser; replaces glycine 62 with serine.
Molecular consequence: missense variant.
Genome position (GRCh38, 1-based): chr19:45,529,415, C>T on the plus strand (G>A on the coding strand, the complement: OPA3 is on the minus strand). VCF-style: chr19-45529415-C-T. GRCh37 (hg19) VCF-style: chr19-46032673-C-T.
Other names: p.G62S:GGT>AGT; short protein forms G62S.
Identifiers: ClinVar variation 214929 (VCV000214929.19), dbSNP rs140959406, ClinGen allele CA319836.

ClinVar aggregate classification (germline): Conflicting classifications of pathogenicity. Review status: criteria provided, conflicting classifications (1 of 4 stars). 7 submissions from 7 submitters: Uncertain significance (3); Likely benign (2). 2 of the submissions do not count toward it. Last evaluated 2024-05-16.

Conditions:
3-Methylglutaconic aciduria type 3 (MGCA3). Also called: OPA3-Related 3-Methylglutaconic Aciduria; Costeff Syndrome; OPA3, AUTOSOMAL RECESSIVE; OPTIC ATROPHY 3, AUTOSOMAL RECESSIVE. Identifiers: Orphanet 67047, MedGen C0574084, MONDO:0009787, OMIM 258501.
Optic atrophy 3 (OPA3). Also called: OPTIC ATROPHY 3, AUTOSOMAL DOMINANT; Optic atrophy, cataract, and neurologic disorder; Optic atrophy 3 with cataract. Identifiers: Orphanet 67036, MedGen C1833809, MONDO:0008133, OMIM 165300.

Allele frequency attached by ClinVar (database versions not stated): TOPMed 0.00217; gnomAD 0.00223; 1000 Genomes Project 0.00260; ESP Exome Variant Server 0.00285; ExAC 0.00065; 1000 Genomes Project 30x 0.00219.
gnomAD v4.1: 729 of 1,614,178 alleles (0.045%); highest among the groups gnomAD compares: African/African-American, 0.91%; 5 homozygotes.

Submissions (7):

Blueprint Genetics
Classification: Likely benign. Last evaluated: 2024-05-16. Review status: criteria provided, single submitter. Criteria: ACMG Guidelines, 2015. Collection method: clinical testing. Allele origin: germline.

Labcorp Genetics (formerly Invitae), Labcorp
Classification: Likely benign for 3-Methylglutaconic aciduria type 3; Optic atrophy 3. Last evaluated: 2023-07-27. Review status: criteria provided, single submitter. Criteria: Invitae Variant Classification Sherloc (09022015). Collection method: clinical testing. Allele origin: germline.

GeneDx
Classification: Uncertain significance. Last evaluated: 2020-12-07. Review status: criteria provided, single submitter. Criteria: GeneDx Variant Classification Process June 2021. Collection method: clinical testing. Allele origin: germline. Affected: yes.
Comment: Has not been previously published as pathogenic or benign to our knowledge; Located in alternate transcript of the OPA3 gene; In silico analysis, which includes protein predictors and evolutionary conservation, supports a deleterious effect

Mendelics
Classification: Uncertain significance for 3-Methylglutaconic aciduria type 3. Last evaluated: 2019-05-28. Review status: criteria provided, single submitter. Criteria: Mendelics Assertion Criteria 2017. Collection method: clinical testing. Allele origin: unknown.

Baylor Genetics
Classification: Uncertain significance for 3-Methylglutaconic aciduria type 3. Last evaluated: 2018-07-30. Review status: criteria provided, single submitter. Criteria: ACMG Guidelines, 2015. Collection method: clinical testing. Allele origin: maternal. Affected: yes.
Comment: This variant was determined to be of uncertain significance according to ACMG Guidelines, 2015 [PMID:25741868].

Clinical Genetics DNA and cytogenetics Diagnostics Lab, Erasmus MC, Erasmus Medical Center
Classification: Likely benign. Review status: no assertion criteria provided. Collection method: clinical testing. Allele origin: germline. Affected: yes. Study: VKGL Data-share Consensus. Not counted in ClinVar's aggregate classification.

Clinical Genetics, Academic Medical Center
Classification: Likely benign. Review status: no assertion criteria provided. Collection method: clinical testing. Allele origin: germline. Affected: yes. Study: VKGL Data-share Consensus. Not counted in ClinVar's aggregate classification.